The following is an entry in ClinVar:

ClinVar aggregate classification (germline): Likely pathogenic (1 of 4 stars; one submission).

Submission:

GeneDx
Classification: Likely pathogenic. Last evaluated: 2024-09-25. Review status: criteria provided, single submitter. Criteria: GeneDx Variant Classification Process June 2021. Collection method: clinical testing. Allele origin: germline. Affected: yes.
Comment: Canonical splice site variant predicted to result in an in-frame loss of the adjacent exon in a gene for which loss of function is a known mechanism of disease; Not observed at significant frequency in large population cohorts (gnomAD); Has not been previously published as pathogenic or benign to our knowledge

NM_001394998.1(TANC2):c.139+2T>A

Gene: TANC2 (tetratricopeptide repeat, ankyrin repeat and coiled-coil containing 2; plus strand). Cytogenetic location: 17q23.2.
Variant type: single nucleotide variant.
Coding change: c.139+2T>A on transcript NM_001394998.1 (MANE Select); the canonical splice donor site of the intron after coding-DNA position 139, T replaced by A.
Molecular consequence: splice donor variant.
Genome position (GRCh38, 1-based): chr17:63,074,016, T>A. VCF-style: chr17-63074016-T-A. GRCh37 (hg19) VCF-style: chr17-61151377-T-A.
Other names: c.139+2T>A (NM_001411076.1, NM_025185.4).
Identifiers: ClinVar variation 3774893 (VCV003774893.1).
Genomic context (GRCh38, chr17:63,074,016, plus strand): 5'-GGAACCACCGGATCGAAGACAGTCAAGTGTAGACTCTCGCCAAAGCCGCTCTGGGCAAGG[T>A]AAATTTTCATCAGATTGATTATTAAATTTCAAAAAATAACGATAGATATTTCTTTCTAGT-3'